The following is an entry in ClinVar:

NM_017672.6(TRPM7):c.674A>G (p.Tyr225Cys)

Gene: TRPM7 (transient receptor potential cation channel subfamily M member 7; minus strand). Cytogenetic location: 15q21.2.
Variant type: single nucleotide variant.
Coding change: c.674A>G on transcript NM_017672.6 (MANE Select); coding-DNA position 674, A replaced by G.
Protein change: p.Tyr225Cys; replaces tyrosine 225 with cysteine.
Molecular consequence: missense variant. On other transcripts: non-coding transcript variant (3).
Genome position (GRCh38, 1-based): chr15:50,637,580, T>C on the plus strand (A>G on the coding strand, the complement: TRPM7 is on the minus strand). VCF-style: chr15-50637580-T-C. GRCh37 (hg19) VCF-style: chr15-50929777-T-C.
Other names: c.674A>G, p.Tyr225Cys (NM_001301212.2); short protein forms Y225C.
Identifiers: ClinVar variation 4530755 (VCV004530755.1).

ClinVar aggregate classification (germline): Uncertain significance (1 of 4 stars; one submission).

Submission:

GeneDx
Classification: Uncertain significance. Last evaluated: 2025-05-23. Review status: criteria provided, single submitter. Criteria: GeneDx Variant Classification Process June 2021. Collection method: clinical testing. Allele origin: germline. Affected: yes.
Comment: Not observed at significant frequency in large population cohorts (gnomAD); In silico analysis supports that this missense variant has a deleterious effect on protein structure/function; Has not been previously published as pathogenic or benign to our knowledge